The following is an entry in ClinVar:

ClinVar aggregate classification (germline): Pathogenic. Review status: criteria provided, multiple submitters, no conflicts (2 of 4 stars). 3 submissions from 3 submitters: Pathogenic (2). 1 of the submissions does not count toward it. Last evaluated 2025-10-16.

Conditions:
Pheochromocytoma. Also called: MAX-Related Hereditary Paraganglioma-Pheochromocytoma Syndrome. Identifiers: Orphanet 29072, MedGen C0031511, MONDO:0008233, OMIM 171300, HP:0002666.
Cowden syndrome 3 (CWS3). Identifiers: Orphanet 201, MedGen CN166604, MONDO:0014045.
Carney-Stratakis syndrome. Also called: PARAGANGLIOMA AND GASTROINTESTINAL STROMAL TUMOR. Identifiers: Orphanet 97286, MedGen C1847319, MONDO:0011740, OMIM 606864.
Paragangliomas with sensorineural hearing loss. Identifiers: MedGen C1868633.
Hereditary cancer-predisposing syndrome. Also called: Tumor predisposition; Hereditary neoplastic syndrome; Hereditary Cancer Syndrome; Neoplastic Syndromes, Hereditary. Identifiers: Orphanet 140162, MedGen C0027672, MeSH D009386, MONDO:0015356.
Pheochromocytoma/paraganglioma syndrome 1. Also called: PARAGANGLIOMATA; PARAGANGLIOMAS, FAMILIAL NONCHROMAFFIN, 1; PGL 1; Paragangliomas familial 1; Paraganglioma - glomus jugulare; SDHD-Related Hereditary Paraganglioma-Pheochromocytoma Syndrome. Identifiers: Orphanet 29072, MedGen C3494181, MONDO:0008192, OMIM 168000.

Submissions (3):

Ambry Genetics
Classification: Pathogenic for Hereditary cancer-predisposing syndrome. Last evaluated: 2025-10-16. Review status: criteria provided, single submitter. Criteria: Ambry Variant Classification Scheme 2023. Collection method: clinical testing. Allele origin: germline.
Comment: The p.M1? pathogenic mutation (also known as c.1A>G) is located in coding exon 1 of the SDHD gene and results from a A to G substitution at nucleotide position 1. This alters the methionine residue at the initiation codon (ATG). This variant was reported in individuals with features consistent with SDHD-related hereditary pheochromocytoma-paraganglioma (Riemann K, et al. Cancer Genet Cytogenet 2004 Apr;150(2):128-35; Guha A, et al. Front Endocrinol (Lausanne) 2023 Dec;14:1278175). Alterations affecting the initiation codon of SDHD have been observed in individuals with hereditary paraganglioma and pheochromocytoma syndrome (Ambry internal data; Lee SC et al. Laryngoscope, 2003 Jun;113:1055-8; Wang CP et al. Oral Oncol. 2012 Feb;48(2):125-9; Neumayer C et al. Eur J Clin Invest 2007 Jul;37(7):544-51;). This variant is considered to be rare based on population cohorts in the Genome Aggregation Database (gnomAD). In addition to the clinical data presented in the literature, sequence variations that modify the initiation codon are expected to result in either loss of translation initiation, N-terminal truncation, or cause a shift in the mRNA reading frame. Based on the supporting evidence, this variant is interpreted as a disease-causing mutation.

Labcorp Genetics (formerly Invitae), Labcorp
Classification: Pathogenic for Carney-Stratakis syndrome; Paragangliomas with sensorineural hearing loss; Pheochromocytoma; Cowden syndrome 3. Last evaluated: 2024-07-25. Review status: criteria provided, single submitter. Criteria: Invitae Variant Classification Sherloc (09022015). Collection method: clinical testing. Allele origin: germline.
Comment: This sequence change affects the initiator methionine of the SDHD mRNA. The next in-frame methionine is located at codon 91. This variant is not present in population databases (gnomAD no frequency). Disruption of the initiator codon has been observed in individuals with head and neck paragangliomas (HNPGLs) or non-HNPGLs (PMID: 11391796, 12782822, 15066320, 17406045, 17576205, 19351833, 19454582, 21945342, 22241717). It has also been observed to segregate with disease in related individuals. ClinVar contains an entry for this variant (Variation ID: 6911). For these reasons, this variant has been classified as Pathogenic.

OMIM
Classification: Pathogenic for PHEOCHROMOCYTOMA/PARAGANGLIOMA SYNDROME 1. Last evaluated: 2004-04-15. Review status: no assertion criteria provided. Collection method: literature only. Allele origin: germline. Not counted in ClinVar's aggregate classification.

Literature cited by the submitters: PubMed 15066320 (cited by 3 submitters); PubMed 38144572 (cited by Ambry Genetics); PubMed 11391796 (cited by Labcorp Genetics (formerly Invitae), Labcorp); PubMed 12782822 (cited by Labcorp Genetics (formerly Invitae), Labcorp); PubMed 17406045 (cited by Labcorp Genetics (formerly Invitae), Labcorp); PubMed 17576205 (cited by Labcorp Genetics (formerly Invitae), Labcorp); PubMed 19351833 (cited by Labcorp Genetics (formerly Invitae), Labcorp); PubMed 19454582 (cited by Labcorp Genetics (formerly Invitae), Labcorp); PubMed 21945342 (cited by Labcorp Genetics (formerly Invitae), Labcorp); PubMed 22241717 (cited by Labcorp Genetics (formerly Invitae), Labcorp).

NM_003002.4(SDHD):c.1A>G (p.Met1Val)

Genes: SDHD (succinate dehydrogenase complex subunit D; plus strand), LOC126861339 (BRD4-independent group 4 enhancer GRCh37_chr11:111957035-111958234; plus strand). Cytogenetic location: 11q23.1.
Variant type: single nucleotide variant.
Coding change: c.1A>G on transcript NM_003002.4 (MANE Select); coding-DNA position 1, A replaced by G.
Protein change: p.Met1Val; changes the start codon (methionine 1).
Molecular consequence: missense variant, initiator codon variant. On other transcripts: non-coding transcript variant (1).
Genome position (GRCh38, 1-based): chr11:112,086,908, A>G. VCF-style: chr11-112086908-A-G. GRCh37 (hg19) VCF-style: chr11-111957632-A-G.
Other names: c.1A>G, p.Met1Val (NM_001276503.2, NM_001276504.2, NM_001276506.2); c.1A>G (NM_003002.2); short protein forms M1V.
Identifiers: ClinVar variation 6911 (VCV000006911.20), dbSNP rs104894307, ClinGen allele CA016859.